The following is an entry in ClinVar:

NM_001082971.2(DDC):c.697G>A (p.Gly233Ser)

Gene: DDC (dopa decarboxylase; minus strand). Cytogenetic location: 7p12.1.
Variant type: single nucleotide variant.
Coding change: c.697G>A on transcript NM_001082971.2 (MANE Select); coding-DNA position 697, G replaced by A.
Protein change: p.Gly233Ser; replaces glycine 233 with serine.
Molecular consequence: missense variant. On other transcripts: intron variant (2).
Genome position (GRCh38, 1-based): chr7:50,528,154, C>T on the plus strand (G>A on the coding strand, the complement: DDC is on the minus strand). VCF-style: chr7-50528154-C-T. GRCh37 (hg19) VCF-style: chr7-50595852-C-T.
Other names: c.697G>A, p.Gly233Ser (NM_000790.4, NM_001242890.2); c.583G>A, p.Gly195Ser (NM_001242886.2); c.463G>A, p.Gly155Ser (NM_001242888.2); c.435+9706G>A (NM_001242889.2); c.570+1054G>A (NM_001242887.2); short protein forms G155S, G233S, G195S.
Identifiers: ClinVar variation 2094578 (VCV002094578.4), dbSNP rs2535395712, ClinGen allele CA367525697.

ClinVar aggregate classification (germline): Uncertain significance (1 of 4 stars; one submission).

Conditions:
Deficiency of aromatic-L-amino-acid decarboxylase. Also called: Aromatic amino acid decarboxylase deficiency; Aromatic L-Amino Acid Decarboxylase Deficiency; AADC DEFICIENCY; DDC DEFICIENCY; DOPA DECARBOXYLASE DEFICIENCY. Identifiers: Orphanet 35708, MedGen C1291564, MONDO:0012084, OMIM 608643.

Submission:

Labcorp Genetics (formerly Invitae), Labcorp
Classification: Uncertain significance for Deficiency of aromatic-L-amino-acid decarboxylase. Last evaluated: 2022-02-08. Review status: criteria provided, single submitter. Criteria: Invitae Variant Classification Sherloc (09022015). Collection method: clinical testing. Allele origin: germline.
Comment: In summary, the available evidence is currently insufficient to determine the role of this variant in disease. Therefore, it has been classified as a Variant of Uncertain Significance. Algorithms developed to predict the effect of missense changes on protein structure and function (SIFT, PolyPhen-2, Align-GVGD) all suggest that this variant is likely to be disruptive. This variant has not been reported in the literature in individuals affected with DDC-related conditions. This variant is not present in population databases (gnomAD no frequency). This sequence change replaces glycine, which is neutral and non-polar, with serine, which is neutral and polar, at codon 233 of the DDC protein (p.Gly233Ser).